The following is an entry in ClinVar:

ClinVar aggregate classification (germline): Uncertain significance. Review status: criteria provided, multiple submitters, no conflicts (2 of 4 stars). 2 submissions from 2 submitters: Uncertain significance (2). Last evaluated 2024-05-30.

Allele frequency attached by ClinVar (database versions not stated): gnomAD exomes 0.00002 and 0.00007; ExAC 0.00005; gnomAD 0.00005 and 0.00006; TOPMed 0.00008.
gnomAD v4.1: 41 of 1,613,180 alleles (0.0025%); highest among the groups gnomAD compares: Admixed American, 0.02%; no homozygotes.

Submissions (2):

Blueprint Genetics
Classification: Uncertain significance. Last evaluated: 2024-05-30. Review status: criteria provided, single submitter. Criteria: ACMG Guidelines, 2015. Collection method: clinical testing. Allele origin: germline.

Labcorp Genetics (formerly Invitae), Labcorp
Classification: Uncertain significance. Last evaluated: 2022-08-21. Review status: criteria provided, single submitter. Criteria: Invitae Variant Classification Sherloc (09022015). Collection method: clinical testing. Allele origin: germline.
Comment: This variant has not been reported in the literature in individuals affected with KIAA1549-related conditions. In summary, the available evidence is currently insufficient to determine the role of this variant in disease. Therefore, it has been classified as a Variant of Uncertain Significance. Algorithms developed to predict the effect of missense changes on protein structure and function are either unavailable or do not agree on the potential impact of this missense change (SIFT: "Deleterious"; PolyPhen-2: "Benign"; Align-GVGD: "Class C0"). ClinVar contains an entry for this variant (Variation ID: 1411211). This variant is present in population databases (rs749931272, gnomAD 0.02%). This sequence change replaces serine, which is neutral and polar, with leucine, which is neutral and non-polar, at codon 1801 of the KIAA1549 protein (p.Ser1801Leu).

NM_001164665.2(KIAA1549):c.5402C>T (p.Ser1801Leu)

Gene: KIAA1549 (KIAA1549; minus strand). Cytogenetic location: 7q34.
Variant type: single nucleotide variant.
Coding change: c.5402C>T on transcript NM_001164665.2 (MANE Select); coding-DNA position 5402, C replaced by T.
Protein change: p.Ser1801Leu; replaces serine 1801 with leucine.
Molecular consequence: missense variant.
Genome position (GRCh38, 1-based): chr7:138,844,367, G>A on the plus strand (C>T on the coding strand, the complement: KIAA1549 is on the minus strand). VCF-style: chr7-138844367-G-A. GRCh37 (hg19) VCF-style: chr7-138529112-G-A.
Other names: c.5402C>T, p.Ser1801Leu (NM_020910.3); short protein forms S1801L.
Identifiers: ClinVar variation 1411211 (VCV001411211.6), dbSNP rs749931272, ClinGen allele CA4505566.
Genomic context (GRCh38, chr7:138,844,367, plus strand): 5'-CCACATATACCTGTGGTACCCCCGACAGGCCGAGGCCGGGCCACCGACGGCATCTCCTCC[G>A]AGTAGATCCCTCTGGCAGCAAATGGGGCTTCGGCGGAGGCCTGTGGCTGCTGAGGGTCAG-3'
Protein context (NP_001158137.1, residues 1791-1811): EAPFAARGIY[Ser1801Leu]EEMPSVARPR